The following is an entry in ClinVar:

NM_004612.4(TGFBR1):c.1283A>G (p.Tyr428Cys)

Gene: TGFBR1 (transforming growth factor beta receptor 1; plus strand). Cytogenetic location: 9q22.33.
Variant type: single nucleotide variant.
Coding change: c.1283A>G on transcript NM_004612.4 (MANE Select); coding-DNA position 1283, A replaced by G.
Protein change: p.Tyr428Cys; replaces tyrosine 428 with cysteine.
Molecular consequence: missense variant. On other transcripts: non-coding transcript variant (4).
Genome position (GRCh38, 1-based): chr9:99,147,681, A>G. VCF-style: chr9-99147681-A-G. GRCh37 (hg19) VCF-style: chr9-101909963-A-G.
Other names: c.1076A>G, p.Tyr359Cys (NM_001407434.1, NM_001407423.1, NM_001407424.1 and 8 more transcripts); c.1052A>G, p.Tyr351Cys (NM_001407435.1, NM_001130916.3); c.1037A>G, p.Tyr346Cys (NM_001407436.1); c.575A>G, p.Tyr192Cys (NM_001407437.1); c.806A>G, p.Tyr269Cys (NM_001407438.1); c.1295A>G, p.Tyr432Cys (NM_001306210.2); c.1127A>G, p.Tyr376Cys (NM_001407416.1); c.1115A>G, p.Tyr372Cys (NM_001407417.1); and 2 more; short protein forms Y192C, Y269C, Y346C, Y351C, Y359C, Y363C, Y372C, Y376C.
Identifiers: ClinVar variation 3074836 (VCV003074836.4), dbSNP rs1827840564, ClinGen allele CA374233292.

ClinVar aggregate classification (germline): Uncertain significance. Review status: criteria provided, multiple submitters, no conflicts (2 of 4 stars). 3 submissions from 3 submitters: Uncertain significance (3). Last evaluated 2025-05-26.

Conditions:
Familial thoracic aortic aneurysm and aortic dissection (TAAD). Also called: Thoracic aortic aneurysms and dissections. Identifiers: Orphanet 91387, MedGen C4707243, MONDO:0019625.
Loeys-Dietz syndrome (LDS). Identifiers: Orphanet 60030, MedGen C2697932, MONDO:0018954.

Allele frequency attached by ClinVar (database versions not stated): gnomAD exomes below 0.00001; TOPMed below 0.00001; gnomAD 0.00001.
gnomAD v4.1: 2 of 1,613,486 alleles (0.00012%); highest among the groups gnomAD compares: Non-Finnish European, 0.00017%; no homozygotes.

Submissions (3):

Ambry Genetics
Classification: Uncertain significance for Familial thoracic aortic aneurysm and aortic dissection. Last evaluated: 2025-05-26. Review status: criteria provided, single submitter. Criteria: Ambry Variant Classification Scheme 2023. Collection method: clinical testing. Allele origin: germline.

Labcorp Genetics (formerly Invitae), Labcorp
Classification: Uncertain significance for Familial thoracic aortic aneurysm and aortic dissection. Last evaluated: 2024-09-03. Review status: criteria provided, single submitter. Criteria: Invitae Variant Classification Sherloc (09022015). Collection method: clinical testing. Allele origin: germline.
Comment: This sequence change replaces tyrosine, which is neutral and polar, with cysteine, which is neutral and slightly polar, at codon 428 of the TGFBR1 protein (p.Tyr428Cys). This variant is not present in population databases (gnomAD no frequency). This variant has not been reported in the literature in individuals affected with TGFBR1-related conditions. Invitae Evidence Modeling of protein sequence and biophysical properties (such as structural, functional, and spatial information, amino acid conservation, physicochemical variation, residue mobility, and thermodynamic stability) indicates that this missense variant is expected to disrupt TGFBR1 protein function with a positive predictive value of 80%. In summary, the available evidence is currently insufficient to determine the role of this variant in disease. Therefore, it has been classified as a Variant of Uncertain Significance.

All of Us Research Program, National Institutes of Health
Classification: Uncertain significance for Loeys-Dietz syndrome. Last evaluated: 2023-12-13. Review status: criteria provided, single submitter. Criteria: ACMG Guidelines, 2015. Collection method: clinical testing. Allele origin: germline. Inheritance: Autosomal dominant inheritance. Observed: 1 variant allele, 1 heterozygote.
Comment: This missense variant replaces tyrosine with cysteine at codon 428 of the TGFBR1 protein. Computational prediction suggests that this variant may have deleterious impact on protein structure and function (internally defined REVEL score threshold >= 0.7, PMID: 27666373). To our knowledge, functional studies have not been reported for this variant. This variant has not been reported in individuals affected with TGFBR1-related disorders in the literature. This variant has not been identified in the general population by the Genome Aggregation Database (gnomAD). The available evidence is insufficient to determine the role of this variant in disease conclusively. Therefore, this variant is classified as a Variant of Uncertain Significance.

This study involves interpretation of variants in research participants for the purpose of population health screening. Participant phenotype was not available at the time of variant classification. Additional details can be found in publication PMID: 35346344, PMCID: PMC8962531